The following is an entry in ClinVar:

ClinVar aggregate classification (germline): Uncertain significance (1 of 4 stars; one submission).

Conditions:
Hereditary cancer-predisposing syndrome. Also called: Hereditary Cancer Syndrome; Tumor predisposition; Hereditary neoplastic syndrome; Neoplastic Syndromes, Hereditary. Identifiers: Orphanet 140162, MedGen C0027672, MeSH D009386, MONDO:0015356.

Submission:

Ambry Genetics
Classification: Uncertain significance for Hereditary cancer-predisposing syndrome. Last evaluated: 2024-09-30. Review status: criteria provided, single submitter. Criteria: Ambry Variant Classification Scheme 2023. Collection method: clinical testing. Allele origin: germline.
Comment: The p.T1060S variant (also known as c.3179C>G), located in coding exon 23 of the MSH3 gene, results from a C to G substitution at nucleotide position 3179. The threonine at codon 1060 is replaced by serine, an amino acid with similar properties. This amino acid position is conserved. In addition, the in silico prediction for this alteration is inconclusive. Based on the available evidence, the clinical significance of this variant remains unclear.

NM_002439.5(MSH3):c.3179C>G (p.Thr1060Ser)

Gene: MSH3 (mutS homolog 3; plus strand). Cytogenetic location: 5q14.1.
Variant type: single nucleotide variant.
Coding change: c.3179C>G on transcript NM_002439.5 (MANE Select); coding-DNA position 3179, C replaced by G.
Protein change: p.Thr1060Ser; replaces threonine 1060 with serine.
Molecular consequence: missense variant.
Genome position (GRCh38, 1-based): chr5:80,873,164, C>G. VCF-style: chr5-80873164-C-G. GRCh37 (hg19) VCF-style: chr5-80168983-C-G.
Other names: short protein forms T1060S.
Identifiers: ClinVar variation 3398735 (VCV003398735.1).